The following is an entry in ClinVar:

ClinVar aggregate classification (germline): Uncertain significance (1 of 4 stars; one submission).

Allele frequency attached by ClinVar (database versions not stated): gnomAD exomes below 0.00001.
gnomAD v4.1: 4 of 1,527,820 alleles (0.00026%); highest among the groups gnomAD compares: Non-Finnish European, 0.00035%; no homozygotes.

Submission:

Labcorp Genetics (formerly Invitae), Labcorp
Classification: Uncertain significance. Last evaluated: 2022-09-27. Review status: criteria provided, single submitter. Criteria: Invitae Variant Classification Sherloc (09022015). Collection method: clinical testing. Allele origin: germline.
Comment: This variant has not been reported in the literature in individuals affected with HEPACAM-related conditions. This variant is not present in population databases (gnomAD no frequency). This sequence change replaces glutamic acid, which is acidic and polar, with lysine, which is basic and polar, at codon 413 of the HEPACAM protein (p.Glu413Lys). In summary, the available evidence is currently insufficient to determine the role of this variant in disease. Therefore, it has been classified as a Variant of Uncertain Significance. Algorithms developed to predict the effect of missense changes on protein structure and function are either unavailable or do not agree on the potential impact of this missense change (SIFT: "Deleterious"; PolyPhen-2: "Probably Damaging"; Align-GVGD: "Class C0").

NM_152722.5(HEPACAM):c.1237G>A (p.Glu413Lys)

Gene: HEPACAM (hepatic and glial cell adhesion molecule; minus strand). Cytogenetic location: 11q24.2.
Variant type: single nucleotide variant.
Coding change: c.1237G>A on transcript NM_152722.5 (MANE Select); coding-DNA position 1237, G replaced by A.
Protein change: p.Glu413Lys; replaces glutamic acid 413 with lysine.
Molecular consequence: missense variant.
Genome position (GRCh38, 1-based): chr11:124,921,152, C>T on the plus strand (G>A on the coding strand, the complement: HEPACAM is on the minus strand). VCF-style: chr11-124921152-C-T. GRCh37 (hg19) VCF-style: chr11-124791048-C-T.
Other names: c.1393G>A, p.Glu465Lys (NM_001411043.1); short protein forms E465K, E413K.
Identifiers: ClinVar variation 1955313 (VCV001955313.5), dbSNP rs1947128579, ClinGen allele CA383137058.